The following is an entry in ClinVar:

ClinVar aggregate classification (germline): Likely benign. Review status: criteria provided, multiple submitters, no conflicts (2 of 4 stars). 2 submissions from 2 submitters: Likely benign (2). Last evaluated 2025-11-01.

Conditions:
Autosomal recessive limb-girdle muscular dystrophy type 2J (LGMDR10). Also called: Limb-girdle muscular dystrophy, type 2J; MUSCULAR DYSTROPHY, LIMB-GIRDLE, AUTOSOMAL RECESSIVE 10. Identifiers: Orphanet 140922, MedGen C1837342, MONDO:0012127, OMIM 608807.
Dilated cardiomyopathy 1G (CMD1G). Identifiers: Orphanet 154, MedGen C1858763, MONDO:0011400, OMIM 604145.

Submissions (2):

CeGaT Center for Human Genetics Tuebingen
Classification: Likely benign. Last evaluated: 2025-11-01. Review status: criteria provided, single submitter. Criteria: CeGaT Center For Human Genetics Tuebingen Variant Classification Criteria Version 2. Collection method: clinical testing. Allele origin: germline. Affected: yes. Observed: 1 variant allele.
Comment: TTN: BP4, BP7

Labcorp Genetics (formerly Invitae), Labcorp
Classification: Likely benign for Dilated cardiomyopathy 1G; Autosomal recessive limb-girdle muscular dystrophy type 2J. Last evaluated: 2025-10-30. Review status: criteria provided, single submitter. Criteria: Invitae Variant Classification Sherloc (09022015). Collection method: clinical testing. Allele origin: germline.

NM_001267550.2(TTN):c.47295A>T (p.Val15765=)

Genes: TTN (titin; minus strand), TTN-AS1 (TTN antisense RNA 1; plus strand). Cytogenetic location: 2q31.2.
Variant type: single nucleotide variant.
Coding change: c.47295A>T on transcript NM_001267550.2 (MANE Select); coding-DNA position 47295, A replaced by T.
Protein change: p.Val15765=; no amino-acid change (valine 15765 retained).
Molecular consequence: synonymous variant.
Genome position (GRCh38, 1-based): chr2:178,618,056, T>A on the plus strand (A>T on the coding strand, the complement: TTN is on the minus strand). VCF-style: chr2-178618056-T-A. GRCh37 (hg19) VCF-style: chr2-179482783-T-A.
Other names: c.42372A>T, p.Val14124= (NM_001256850.1); c.20100A>T, p.Val6700= (NM_003319.4); c.39591A>T, p.Val13197= (NM_133378.4); c.20475A>T, p.Val6825= (NM_133432.3); c.20676A>T, p.Val6892= (NM_133437.4).
Identifiers: ClinVar variation 4535236 (VCV004535236.7).